The following is an entry in ClinVar:

NM_000052.7(ATP7A):c.2016G>A (p.Met672Ile)

Gene: ATP7A (ATPase copper transporting alpha; plus strand). Cytogenetic location: Xq21.1.
Variant type: single nucleotide variant.
Coding change: c.2016G>A on transcript NM_000052.7 (MANE Select); coding-DNA position 2016, G replaced by A.
Protein change: p.Met672Ile; replaces methionine 672 with isoleucine.
Molecular consequence: missense variant.
Genome position (GRCh38, 1-based): chrX:78,011,518, G>A. VCF-style: chrX-78011518-G-A. GRCh37 (hg19) VCF-style: chrX-77267015-G-A.
Other names: c.2016G>A, p.Met672Ile (NM_001282224.2); short protein forms M672I.
Identifiers: ClinVar variation 4538795 (VCV004538795.1).
Genomic context (GRCh38, chrX:78,011,518, plus strand): 5'-GTCTTTTCTTGTGAGTCTGTTTTTCTGTATTCCTGTAATGGGGCTGATGATATATATGAT[G>A]GTTATGGACCACCACTTTGCAACTCTTCACCATAATCAAAACATGAGTAAAGAAGAAATG-3'
Protein context (NP_000043.4, residues 662-682): IPVMGLMIYM[Met672Ile]VMDHHFATLH

ClinVar aggregate classification (germline): Uncertain significance (1 of 4 stars; one submission).

Submission:

GeneDx
Classification: Uncertain significance. Last evaluated: 2025-06-17. Review status: criteria provided, single submitter. Criteria: GeneDx Variant Classification Process June 2021. Collection method: clinical testing. Allele origin: germline. Affected: yes.
Comment: Has not been previously published as pathogenic or benign to our knowledge; Not observed at significant frequency in large population cohorts (gnomAD); In silico analysis suggests that this missense variant does not alter protein structure/function